The following is an entry in ClinVar:

NM_152783.5(D2HGDH):c.263C>T (p.Pro88Leu)

Genes: D2HGDH (D-2-hydroxyglutarate dehydrogenase; plus strand), LOC129936033 (ATAC-STARR-seq lymphoblastoid active region 17430; plus strand). Cytogenetic location: 2q37.3.
Variant type: single nucleotide variant.
Coding change: c.263C>T on transcript NM_152783.5 (MANE Select); coding-DNA position 263, C replaced by T.
Protein change: p.Pro88Leu; replaces proline 88 with leucine.
Molecular consequence: missense variant. On other transcripts: 5 prime UTR variant (1), non-coding transcript variant (1), intron variant (1).
Genome position (GRCh38, 1-based): chr2:241,735,487, C>T. VCF-style: chr2-241735487-C-T. GRCh37 (hg19) VCF-style: chr2-242674902-C-T.
Other names: c.-282C>T (NM_001352824.2); c.-111+792C>T (NM_001287249.2); short protein forms P88L.
Identifiers: ClinVar variation 434882 (VCV000434882.10), dbSNP rs750320267, ClinGen allele CA2221559.

ClinVar aggregate classification (germline): Uncertain significance. Review status: criteria provided, multiple submitters, no conflicts (2 of 4 stars). 2 submissions from 2 submitters: Uncertain significance (2). Last evaluated 2024-12-02.

Conditions:
D-2-hydroxyglutaric aciduria 1 (D2HGA1). Identifiers: Orphanet 79315, MedGen C3152055, MONDO:0024554, OMIM 600721.

Allele frequency attached by ClinVar (database versions not stated): ExAC 0.00001; gnomAD 0.00001; gnomAD exomes 0.00001 and 0.00002; TOPMed 0.00001.
gnomAD v4.1: 5 of 1,608,234 alleles (0.00031%); highest among the groups gnomAD compares: Admixed American, 0.0033%; no homozygotes.

Submissions (2):

Labcorp Genetics (formerly Invitae), Labcorp
Classification: Uncertain significance for D-2-hydroxyglutaric aciduria 1. Last evaluated: 2024-12-02. Review status: criteria provided, single submitter. Criteria: Invitae Variant Classification Sherloc (09022015). Collection method: clinical testing. Allele origin: germline.
Comment: This sequence change replaces proline, which is neutral and non-polar, with leucine, which is neutral and non-polar, at codon 88 of the D2HGDH protein (p.Pro88Leu). The frequency data for this variant in the population databases is considered unreliable, as metrics indicate poor data quality at this position in the gnomAD database. This variant has not been reported in the literature in individuals affected with D2HGDH-related conditions. ClinVar contains an entry for this variant (Variation ID: 434882). Invitae Evidence Modeling of protein sequence and biophysical properties (such as structural, functional, and spatial information, amino acid conservation, physicochemical variation, residue mobility, and thermodynamic stability) indicates that this missense variant is not expected to disrupt D2HGDH protein function with a negative predictive value of 95%. In summary, the available evidence is currently insufficient to determine the role of this variant in disease. Therefore, it has been classified as a Variant of Uncertain Significance.

Genetic Services Laboratory, University of Chicago
Classification: Uncertain significance. Last evaluated: 2016-02-22. Review status: criteria provided, single submitter. Criteria: ACMG Guidelines, 2015. Collection method: clinical testing. Allele origin: germline. Affected: no.